The following is an entry in ClinVar:

NM_000310.4(PPT1):c.286T>C (p.Cys96Arg)

Gene: PPT1 (palmitoyl-protein thioesterase 1; minus strand). Cytogenetic location: 1p34.2.
Variant type: single nucleotide variant.
Coding change: c.286T>C on transcript NM_000310.4 (MANE Select); coding-DNA position 286, T replaced by C.
Protein change: p.Cys96Arg; replaces cysteine 96 with arginine.
Molecular consequence: missense variant. On other transcripts: intron variant (1).
Genome position (GRCh38, 1-based): chr1:40,092,121, A>G on the plus strand (T>C on the coding strand, the complement: PPT1 is on the minus strand). VCF-style: chr1-40092121-A-G. GRCh37 (hg19) VCF-style: chr1-40557793-A-G.
Other names: c.286T>C, p.Cys96Arg (NM_001363695.2); c.125-2609T>C (NM_001142604.2); short protein forms C96R.
Identifiers: ClinVar variation 1254488 (VCV001254488.14), dbSNP rs2124487866, ClinGen allele CA339849198.

ClinVar aggregate classification (germline): Conflicting classifications of pathogenicity. Review status: criteria provided, conflicting classifications (1 of 4 stars). 4 submissions from 4 submitters: Likely pathogenic (1); Uncertain significance (3). Last evaluated 2025-12-18.

Conditions:
Neuronal ceroid lipofuscinosis 1 (CLN1). Also called: PPT1-Related Neuronal Ceroid-Lipofuscinosis; CEROID LIPOFUSCINOSIS, NEURONAL, 1, VARIABLE AGE AT ONSET. Identifiers: Orphanet 228329, MedGen C1850451, MONDO:0009744, OMIM 256730.

Submissions (4):

Myriad Genetics, Inc.
Classification: Uncertain significance for Neuronal ceroid lipofuscinosis 1. Last evaluated: 2025-12-18. Review status: criteria provided, single submitter. Criteria: Myriad Autosomal Dominant, Autosomal Recessive and X-Linked Classification Criteria (2023). Collection method: clinical testing. Allele origin: unknown.
Comment: NM_000310.3(PPT1):c.286T>C(C96R) is a missense variant classified as a variant of uncertain significance in the context of neuronal ceroid lipofuscinosis, PPT1-related. C96R has not been observed in cases with relevant disease. Relevant functional assessments of this variant are not available in the literature. C96R has not been observed in referenced population frequency databases. In summary, there is insufficient evidence to classify NM_000310.3(PPT1):c.286T>C(C96R) as pathogenic or benign. Please note: this variant was assessed in the context of healthy population screening.

Women's Health and Genetics/Laboratory Corporation of America, LabCorp
Classification: Uncertain significance. Last evaluated: 2025-07-31. Review status: criteria provided, single submitter. Criteria: LabCorp Variant Classification Summary - May 2015. Collection method: clinical testing. Allele origin: germline.
Comment: Variant summary: PPT1 c.286T>C (p.Cys96Arg) results in a non-conservative amino acid change in the encoded protein sequence. Algorithms developed to predict the effect of missense changes on protein structure and function all suggest that this variant is likely to be disruptive. The variant was absent in 251472 control chromosomes. The available data on variant occurrences in the general population are insufficient to allow any conclusion about variant significance. To our knowledge, no occurrence of c.286T>C in individuals affected with Neuronal Ceroid-Lipofuscinosis (Batten Disease) and no experimental evidence demonstrating its impact on protein function have been reported. ClinVar contains an entry for this variant (Variation ID: 1254488). Based on the evidence outlined above, the variant was classified as uncertain significance.

GeneDx
Classification: Uncertain significance. Last evaluated: 2021-08-02. Review status: criteria provided, single submitter. Criteria: GeneDx Variant Classification Process June 2021. Collection method: clinical testing. Allele origin: germline. Affected: yes.
Comment: Not observed at significant frequency in large population cohorts (Lek et al., 2016); In silico analysis supports that this missense variant has a deleterious effect on protein structure/function; Has not been previously published as pathogenic or benign to our knowledge; This variant is associated with the following publications: (PMID: 21990111)

Labcorp Genetics (formerly Invitae), Labcorp
Classification: Likely pathogenic for Neuronal ceroid lipofuscinosis 1. Last evaluated: 2021-06-30. Review status: criteria provided, single submitter. Criteria: Invitae Variant Classification Sherloc (09022015). Collection method: clinical testing. Allele origin: germline.
Comment: Advanced modeling of protein sequence and biophysical properties (such as structural, functional, and spatial information, amino acid conservation, physicochemical variation, residue mobility, and thermodynamic stability) performed at Invitae indicates that this missense variant is expected to disrupt PPT1 protein function. This variant has not been reported in the literature in individuals affected with PPT1-related conditions. This variant is not present in population databases (ExAC no frequency). This sequence change replaces cysteine with arginine at codon 96 of the PPT1 protein (p.Cys96Arg). The cysteine residue is highly conserved and there is a large physicochemical difference between cysteine and arginine. In summary, the currently available evidence indicates that the variant is pathogenic, but additional data are needed to prove that conclusively. Therefore, this variant has been classified as Likely Pathogenic. This variant disrupts the p.Cys96 amino acid residue in PPT1. Other variant(s) that disrupt this residue have been determined to be pathogenic (PMID: 23772246). This suggests that this residue is clinically significant, and that variants that disrupt this residue are likely to be disease-causing.

Literature cited by the submitters: PubMed 23772246 (cited by Labcorp Genetics (formerly Invitae), Labcorp).